The following is an entry in ClinVar:

NM_206926.2(SELENON):c.658C>G (p.Arg220Gly)

Gene: SELENON (selenoprotein N; plus strand). Cytogenetic location: 1p36.11.
Variant type: single nucleotide variant.
Coding change: c.658C>G on transcript NM_206926.2 (MANE Select); coding-DNA position 658, C replaced by G.
Protein change: p.Arg220Gly; replaces arginine 220 with glycine.
Molecular consequence: missense variant.
Genome position (GRCh38, 1-based): chr1:25,809,038, C>G. VCF-style: chr1-25809038-C-G. GRCh37 (hg19) VCF-style: chr1-26135529-C-G.
Other names: c.760C>G, p.Arg254Gly (NM_020451.3); short protein forms R220G, R254G.
Identifiers: ClinVar variation 953421 (VCV000953421.9), dbSNP rs374195814, ClinGen allele CA696641.

ClinVar aggregate classification (germline): Uncertain significance. Review status: criteria provided, multiple submitters, no conflicts (2 of 4 stars). 2 submissions from 2 submitters: Uncertain significance (2). Last evaluated 2025-08-04.

Conditions:
Eichsfeld type congenital muscular dystrophy (CMYO3). Also called: MYOPATHY, SEPN1-RELATED; Rigid spine muscular dystrophy 1; SELENON-related myopathy; Congenital myopathy 3 with rigid spine. Identifiers: MedGen C0410180, MONDO:0100100, OMIM 602771.
Inborn genetic diseases. Identifiers: MedGen C0950123, MeSH D030342.

Allele frequency attached by ClinVar (database versions not stated): TOPMed 0.00002; ESP Exome Variant Server 0.00016.
gnomAD v4.1: 40 of 1,613,626 alleles (0.0025%); highest among the groups gnomAD compares: Middle Eastern, 0.016%; no homozygotes.

Submissions (2):

Ambry Genetics
Classification: Uncertain significance for Inborn genetic diseases. Last evaluated: 2025-08-04. Review status: criteria provided, single submitter. Criteria: Ambry Variant Classification Scheme 2023. Collection method: clinical testing. Allele origin: germline.

Labcorp Genetics (formerly Invitae), Labcorp
Classification: Uncertain significance for Eichsfeld type congenital muscular dystrophy. Last evaluated: 2023-11-27. Review status: criteria provided, single submitter. Criteria: Invitae Variant Classification Sherloc (09022015). Collection method: clinical testing. Allele origin: germline.
Comment: This sequence change replaces arginine, which is basic and polar, with glycine, which is neutral and non-polar, at codon 254 of the SELENON protein (p.Arg254Gly). This variant is present in population databases (rs374195814, gnomAD 0.01%). This variant has not been reported in the literature in individuals affected with SELENON-related conditions. ClinVar contains an entry for this variant (Variation ID: 953421). Advanced modeling of protein sequence and biophysical properties (such as structural, functional, and spatial information, amino acid conservation, physicochemical variation, residue mobility, and thermodynamic stability) has been performed at Invitae for this missense variant, however the output from this modeling did not meet the statistical confidence thresholds required to predict the impact of this variant on SELENON protein function. In summary, the available evidence is currently insufficient to determine the role of this variant in disease. Therefore, it has been classified as a Variant of Uncertain Significance.